The following is an entry in ClinVar:

NM_003873.7(NRP1):c.1911C>A (p.Ser637Arg)

Gene: NRP1 (neuropilin 1; minus strand). Cytogenetic location: 10p11.22.
Variant type: single nucleotide variant.
Coding change: c.1911C>A on transcript NM_003873.7 (MANE Select); coding-DNA position 1911, C replaced by A.
Protein change: p.Ser637Arg; replaces serine 637 with arginine.
Molecular consequence: missense variant. On other transcripts: non-coding transcript variant (1).
Genome position (GRCh38, 1-based): chr10:33,197,663, G>T on the plus strand (C>A on the coding strand, the complement: NRP1 is on the minus strand). VCF-style: chr10-33197663-G-T. GRCh37 (hg19) VCF-style: chr10-33486591-G-T.
Other names: c.1911C>A, p.Ser637Arg (NM_001024628.3, NM_001330068.2); c.1806C>A, p.Ser602Arg (NM_001024629.3); c.1890C>A, p.Ser630Arg (NM_001244972.2, NM_001244973.2); short protein forms S602R, S630R, S637R.
Identifiers: ClinVar variation 3407871 (VCV003407871.2).
Genomic context (GRCh38, chr10:33,197,663, plus strand): 5'-GAAGAGAGGTACATGGAATCTGTCACATTTCGTATTTTATTTGATACCTGATTGTATGGT[G>T]CTGTCTATGACCGTGGGCTTTTCTGTGGCCAGCACAGTGGTGCCACCTGAAAAACAAAAA-3'
Protein context (NP_003864.5, residues 627-647): LATEKPTVID[Ser637Arg]TIQSEFPTYG

ClinVar aggregate classification (germline): Uncertain significance. Review status: criteria provided, multiple submitters, no conflicts (2 of 4 stars). 2 submissions from 2 submitters: Uncertain significance (2). Last evaluated 2026-03-06.

Conditions:
NRP1-related disorder. Also called: NRP1-related condition.

Submissions (2):

PreventionGenetics, part of Exact Sciences
Classification: Uncertain significance for NRP1-related condition. Last evaluated: 2026-03-06. Review status: criteria provided, single submitter. Criteria: ACMG Guidelines, 2015. Collection method: clinical testing. Allele origin: germline.
Comment: The NRP1 c.1911C>A variant is predicted to result in the amino acid substitution p.Ser637Arg. To our knowledge, this variant has not been reported in the literature or in a large population database (gnomAD), indicating this variant is rare. At this time, the clinical significance of this variant is uncertain due to the absence of conclusive functional and genetic evidence.

Ambry Genetics
Classification: Uncertain significance. Last evaluated: 2024-11-24. Review status: criteria provided, single submitter. Criteria: Ambry Variant Classification Scheme 2023. Collection method: clinical testing. Allele origin: germline.